The following is an entry in ClinVar:

NM_002292.4(LAMB2):c.4488C>A (p.Asp1496Glu)

Gene: LAMB2 (laminin subunit beta 2; minus strand). Cytogenetic location: 3p21.31.
Variant type: single nucleotide variant.
Coding change: c.4488C>A on transcript NM_002292.4 (MANE Select); coding-DNA position 4488, C replaced by A.
Protein change: p.Asp1496Glu; replaces aspartic acid 1496 with glutamic acid.
Molecular consequence: missense variant.
Genome position (GRCh38, 1-based): chr3:49,122,789, G>T on the plus strand (C>A on the coding strand, the complement: LAMB2 is on the minus strand). VCF-style: chr3-49122789-G-T. GRCh37 (hg19) VCF-style: chr3-49160222-G-T.
Other names: c.4488C>A (NM_002292.3); short protein forms D1496E.
Identifiers: ClinVar variation 2032530 (VCV002032530.2), dbSNP rs774991974, ClinGen allele CA2393777.
Genomic context (GRCh38, chr3:49,122,789, plus strand): 5'-GATAAGTTCTTGAAGTTCCTGGTTGGCCTGTTCCACCTGTCCCCTGGAAGCATTAGCCTT[G>T]TCCAGGGCTGCCTGGGCCCGCTGCTGTGCCTCGCTTGCCTGCCGACGAGTCTCAGCCACT-3'
Protein context (NP_002283.3, residues 1486-1506): EAQQRAQAAL[Asp1496Glu]KANASRGQVE

ClinVar aggregate classification (germline): Uncertain significance. Review status: criteria provided, multiple submitters, no conflicts (2 of 4 stars). 2 submissions from 2 submitters: Uncertain significance (2). Last evaluated 2024-09-27.

Conditions:
LAMB2-related infantile-onset nephrotic syndrome. Also called: Nephrotic Syndrome, type 5; NEPHROTIC SYNDROME, TYPE 5, WITHOUT OCULAR ABNORMALITIES; NEPHROTIC SYNDROME, TYPE 5, WITH OCULAR ABNORMALITIES. Identifiers: Orphanet 306507, MedGen C3280113, MONDO:0013621, OMIM 614199.
Pierson syndrome. Also called: MICROCORIA-CONGENITAL NEPHROTIC SYNDROME. Identifiers: Orphanet 2670, MedGen C1836876, MONDO:0012184, OMIM 609049.
Inborn genetic diseases. Identifiers: MedGen C0950123, MeSH D030342.

Allele frequency attached by ClinVar (database versions not stated): gnomAD 0.00001; gnomAD exomes 0.00001; TOPMed 0.00002; ExAC 0.00004.

Submissions (2):

Ambry Genetics
Classification: Uncertain significance for Inborn genetic diseases. Last evaluated: 2024-09-27. Review status: criteria provided, single submitter. Criteria: Ambry Variant Classification Scheme 2023. Collection method: clinical testing. Allele origin: germline.

Labcorp Genetics (formerly Invitae), Labcorp
Classification: Uncertain significance for LAMB2-related infantile-onset nephrotic syndrome; Pierson syndrome. Last evaluated: 2022-06-27. Review status: criteria provided, single submitter. Criteria: Invitae Variant Classification Sherloc (09022015). Collection method: clinical testing. Allele origin: germline.
Comment: This sequence change replaces aspartic acid, which is acidic and polar, with glutamic acid, which is acidic and polar, at codon 1496 of the LAMB2 protein (p.Asp1496Glu). This variant is present in population databases (rs774991974, gnomAD 0.006%). This variant has not been reported in the literature in individuals affected with LAMB2-related conditions. Algorithms developed to predict the effect of missense changes on protein structure and function output the following: SIFT: "Tolerated"; PolyPhen-2: "Benign"; Align-GVGD: "Class C0". The glutamic acid amino acid residue is found in multiple mammalian species, which suggests that this missense change does not adversely affect protein function. In summary, the available evidence is currently insufficient to determine the role of this variant in disease. Therefore, it has been classified as a Variant of Uncertain Significance.